The following is an entry in ClinVar:

NM_001378183.1(PIEZO2):c.7107dup (p.Leu2370fs)

Gene: PIEZO2 (piezo type mechanosensitive ion channel component 2; minus strand). Cytogenetic location: 18p11.22.
Variant type: Duplication.
Coding change: c.7107dup on transcript NM_001378183.1 (MANE Select); coding-DNA position 7107, one base duplicated (A; older notation c.7107dupA).
Protein change: p.Leu2370fs; shifts the reading frame from leucine 2370.
Molecular consequence: frameshift variant.
Genome position (GRCh38, 1-based): chr18:10,696,157, T duplicated on the plus strand (A on the coding strand, the reverse complement: PIEZO2 is on the minus strand). VCF-style (leftmost placement, unchanged base first): chr18-10696156-G-GT. GRCh37 (hg19) VCF-style: chr18-10696154-G-GT.
Other names: c.6843dup, p.Leu2282fs (NM_001410871.1); c.6768dup, p.Leu2257fs (NM_022068.4); short protein forms L2257fs, L2282fs, L2370fs.
Identifiers: ClinVar variation 2572475 (VCV002572475.1), dbSNP rs2510272028, ClinGen allele CA2580613274.

ClinVar aggregate classification (germline): Likely pathogenic (1 of 4 stars; one submission).

Conditions:
Arthrogryposis, distal, with impaired proprioception and touch (DAIPT). Identifiers: MedGen C4310692, MONDO:0014941, OMIM 617146.

Submission:

3billion
Classification: Likely pathogenic for Arthrogryposis, distal, with impaired proprioception and touch. Review status: criteria provided, single submitter. Criteria: ACMG Guidelines, 2015. Collection method: clinical testing. Allele origin: unknown. Affected: yes. Observed: 1 heterozygote.
Comment: The variant is not observed in the gnomAD v2.1.1 dataset. The variant is predicted to result in a loss or disruption of normal protein function through nonsense-mediated decay (NMD) or protein truncation. Multiple pathogenic variants are reported downstream of the variant. Therefore, this variant is classified as Likely pathogenic according to the recommendation of ACMG/AMP guideline.